The following is an entry in ClinVar:

ClinVar aggregate classification (germline): Pathogenic (1 of 4 stars; one submission).

Conditions:
Chuvash polycythemia. Also called: POLYCYTHEMIA, VHL-DEPENDENT. Identifiers: Orphanet 238557, MedGen C1837915, MONDO:0009892, OMIM 263400.
Von Hippel-Lindau syndrome (VHLS). Also called: Von Hippel-Lindau; von Hippel–Lindau syndrome; VHL syndrome. Identifiers: Orphanet 892, MedGen C0019562, MONDO:0008667, OMIM 193300. Disease mechanism: loss of function.

Submission:

Labcorp Genetics (formerly Invitae), Labcorp
Classification: Pathogenic for Von Hippel-Lindau syndrome; Chuvash polycythemia. Last evaluated: 2020-07-31. Review status: criteria provided, single submitter. Criteria: Invitae Variant Classification Sherloc (09022015). Collection method: clinical testing. Allele origin: germline.
Comment: This sequence change results in a premature translational stop signal in the VHL gene (p.Ser168Argfs*29). While this is not anticipated to result in nonsense mediated decay, it is expected to disrupt the last 46 amino acids of the VHL protein. This variant is not present in population databases (ExAC no frequency). This variant has not been reported in the literature in individuals with VHL-related conditions. This variant disrupts the C-terminus of the VHL protein. Other variant(s) that disrupt this region (p.Ser183*) have been determined to be pathogenic (PMID: 8707293, 10567493, 11309459). This suggests that variants that disrupt this region of the protein are likely to be causative of disease. For these reasons, this variant has been classified as Pathogenic.

Literature cited by the submitters: PubMed 8707293; PubMed 10567493; PubMed 11309459.

NM_000551.4(VHL):c.504_519del (p.Ser168fs)

Genes: VHL (von Hippel-Lindau tumor suppressor; plus strand), LOC107303340 (3p25 von Hippel-Lindau tumor suppressor, E3 ubiquitin protein ligase Alu-mediated recombination region; plus strand). Cytogenetic location: 3p25.3.
Variant type: Deletion.
Coding change: c.504_519del on transcript NM_000551.4 (MANE Select); coding-DNA positions 504 to 519, 16 bases deleted (CCTAGTCAAGCCTGAG).
Protein change: p.Ser168fs; shifts the reading frame from serine 168.
Molecular consequence: frameshift variant. On other transcripts: 3 prime UTR variant (1).
Genome position (GRCh38, 1-based): chr3:10,149,827-10,149,842, CCTAGTCAAGCCTGAG deleted; deleting any 16 consecutive bases within chr3:10,149,824-10,149,842 gives the same sequence; the c. name uses the placement nearest the transcript's 3' end. VCF-style (leftmost placement, unchanged base first): chr3-10149823-GGAGCCTAGTCAAGCCT-G. GRCh37 (hg19) VCF-style: chr3-10191507-GGAGCCTAGTCAAGCCT-G.
Other names: c.*58_*73del (NM_001354723.2); c.381_396del, p.Ser127fs (NM_198156.3); short protein forms S127fs, S168fs.
Identifiers: ClinVar variation 1070973 (VCV001070973.9), dbSNP rs2125130543, ClinGen allele CA2499216391.